The following is an entry in ClinVar:

ClinVar aggregate classification (germline): Uncertain significance (1 of 4 stars; one submission).

Allele frequency attached by ClinVar (database versions not stated): TOPMed below 0.00001.
gnomAD v4.1: 30 of 1,613,496 alleles (0.0019%); highest among the groups gnomAD compares: South Asian, 0.027%; no homozygotes.

Submission:

Labcorp Genetics (formerly Invitae), Labcorp
Classification: Uncertain significance. Last evaluated: 2020-08-12. Review status: criteria provided, single submitter. Criteria: Invitae Variant Classification Sherloc (09022015). Collection method: clinical testing. Allele origin: germline.
Comment: This sequence change replaces glycine with serine at codon 130 of the LAMB3 protein (p.Gly130Ser). The glycine residue is moderately conserved and there is a small physicochemical difference between glycine and serine. This variant is present in population databases (rs769334793, ExAC 0.04%). This variant has not been reported in the literature in individuals with LAMB3-related disease. Algorithms developed to predict the effect of missense changes on protein structure and function are either unavailable or do not agree on the potential impact of this missense change (SIFT: "Tolerated"; PolyPhen-2: "Probably Damaging"; Align-GVGD: "Class C0"). Algorithms developed to predict the effect of sequence changes on RNA splicing suggest that this variant may create or strengthen a splice site, but this prediction has not been confirmed by published transcriptional studies. In summary, the available evidence is currently insufficient to determine the role of this variant in disease. Therefore, it has been classified as a Variant of Uncertain Significance.

NM_000228.3(LAMB3):c.388G>A (p.Gly130Ser)

Gene: LAMB3 (laminin subunit beta 3; minus strand). Cytogenetic location: 1q32.2.
Variant type: single nucleotide variant.
Coding change: c.388G>A on transcript NM_000228.3 (MANE Select); coding-DNA position 388, G replaced by A.
Protein change: p.Gly130Ser; replaces glycine 130 with serine.
Molecular consequence: missense variant.
Genome position (GRCh38, 1-based): chr1:209,634,623, C>T on the plus strand (G>A on the coding strand, the complement: LAMB3 is on the minus strand). VCF-style: chr1-209634623-C-T. GRCh37 (hg19) VCF-style: chr1-209807968-C-T.
Other names: c.388G>A, p.Gly130Ser (NM_001017402.2, NM_001127641.1); short protein forms G130S.
Identifiers: ClinVar variation 2141972 (VCV002141972.1), dbSNP rs769334793, ClinGen allele CA1375982.